The following is an entry in ClinVar:

NM_001430.5(EPAS1):c.1228G>C (p.Ala410Pro)

Gene: EPAS1 (endothelial PAS domain protein 1; plus strand). Cytogenetic location: 2p21.
Variant type: single nucleotide variant.
Coding change: c.1228G>C on transcript NM_001430.5 (MANE Select); coding-DNA position 1228, G replaced by C.
Protein change: p.Ala410Pro; replaces alanine 410 with proline.
Molecular consequence: missense variant.
Genome position (GRCh38, 1-based): chr2:46,376,732, G>C. VCF-style: chr2-46376732-G-C. GRCh37 (hg19) VCF-style: chr2-46603871-G-C.
Other names: short protein forms A410P.
Identifiers: ClinVar variation 3508926 (VCV003508926.1).

ClinVar aggregate classification (germline): Uncertain significance (1 of 4 stars; one submission).

Conditions:
Inborn genetic diseases. Identifiers: MedGen C0950123, MeSH D030342.

gnomAD v4.1: 2 of 1,612,590 alleles (0.00012%); highest among the groups gnomAD compares: Admixed American, 0.0033%; no homozygotes.

Submission:

Ambry Genetics
Classification: Uncertain significance for Inborn genetic diseases. Last evaluated: 2024-08-17. Review status: criteria provided, single submitter. Criteria: Ambry Variant Classification Scheme 2023. Collection method: clinical testing. Allele origin: germline.
Comment: The p.A410P variant (also known as c.1228G>C), located in coding exon 9 of the EPAS1 gene, results from a G to C substitution at nucleotide position 1228. The alanine at codon 410 is replaced by proline, an amino acid with highly similar properties. This amino acid position is conserved. In addition, this alteration is predicted to be tolerated by in silico analysis. Based on the available evidence, the clinical significance of this variant remains unclear.